The following is an entry in ClinVar:

NM_031965.2(HASPIN):c.2209C>T (p.His737Tyr)

Genes: HASPIN (histone H3 associated protein kinase; plus strand), ITGAE (integrin subunit alpha E; minus strand). Cytogenetic location: 17p13.2.
Variant type: single nucleotide variant.
Coding change: c.2209C>T on transcript NM_031965.2 (MANE Select); coding-DNA position 2209, C replaced by T.
Protein change: p.His737Tyr; replaces histidine 737 with tyrosine.
Molecular consequence: missense variant. On other transcripts: intron variant (3).
Genome position (GRCh38, 1-based): chr17:3,726,144, C>T. VCF-style: chr17-3726144-C-T. GRCh37 (hg19) VCF-style: chr17-3629438-C-T.
Other names: c.3006+1775G>A (NM_001425071.1); c.3084+1775G>A (NM_001425072.1, NM_002208.5); short protein forms H737Y.
Identifiers: ClinVar variation 4674954 (VCV004674954.1).

ClinVar aggregate classification (germline): Uncertain significance (1 of 4 stars; one submission).

Submission:

Ambry Genetics
Classification: Uncertain significance. Last evaluated: 2025-10-07. Review status: criteria provided, single submitter. Criteria: Ambry Variant Classification Scheme 2023. Collection method: clinical testing. Allele origin: germline.
Comment: The c.2209C>T (p.H737Y) alteration is located in exon 1 (coding exon 1) of the GSG2 gene. This alteration results from a C to T substitution at nucleotide position 2209, causing the histidine (H) at amino acid position 737 to be replaced by a tyrosine (Y). Based on data from gnomAD, the T allele has an overall frequency of 0.002% (4/251454) total alleles studied. The highest observed frequency was 0.012% (4/34588) of Latino alleles. Based on insufficient or conflicting evidence, the clinical significance of this alteration remains unclear.